The following is an entry in ClinVar:

ClinVar aggregate classification (germline): Uncertain significance (1 of 4 stars; one submission).

Conditions:
Hereditary cancer-predisposing syndrome. Also called: Neoplastic Syndromes, Hereditary; Tumor predisposition; Hereditary Cancer Syndrome; Hereditary neoplastic syndrome. Identifiers: Orphanet 140162, MedGen C0027672, MeSH D009386, MONDO:0015356.

Submission:

Ambry Genetics
Classification: Uncertain significance for Hereditary cancer-predisposing syndrome. Last evaluated: 2025-07-17. Review status: criteria provided, single submitter. Criteria: Ambry Variant Classification Scheme 2023. Collection method: clinical testing. Allele origin: germline.
Comment: The p.L1161F variant (also known as c.3481C>T), located in coding exon 24 of the SMARCA4 gene, results from a C to T substitution at nucleotide position 3481. The leucine at codon 1161 is replaced by phenylalanine, an amino acid with highly similar properties. This amino acid position is conserved. In addition, this alteration is predicted to be deleterious by in silico analysis. Based on the available evidence, the clinical significance of this variant remains unclear.

NM_003072.5(SMARCA4):c.3481C>T (p.Leu1161Phe)

Gene: SMARCA4 (SWI/SNF related BAF chromatin remodeling complex subunit ATPase 4; plus strand). Cytogenetic location: 19p13.2.
Variant type: single nucleotide variant.
Coding change: c.3481C>T on transcript NM_003072.5 (MANE Select); coding-DNA position 3481, C replaced by T.
Protein change: p.Leu1161Phe; replaces leucine 1161 with phenylalanine.
Molecular consequence: missense variant. On other transcripts: non-coding transcript variant (1).
Genome position (GRCh38, 1-based): chr19:11,030,828, C>T. VCF-style: chr19-11030828-C-T. GRCh37 (hg19) VCF-style: chr19-11141504-C-T.
Other names: c.3481C>T, p.Leu1161Phe (NM_001128844.3, NM_001128845.2, NM_001128846.2 and 6 more transcripts); short protein forms L1161F.
Identifiers: ClinVar variation 4170157 (VCV004170157.1).